The following is an entry in ClinVar:

ClinVar aggregate classification (germline): Uncertain significance. Review status: criteria provided, multiple submitters, no conflicts (2 of 4 stars). 2 submissions from 2 submitters: Uncertain significance (2). Last evaluated 2024-10-28.

Conditions:
Amyotrophic lateral sclerosis type 1 (ALS1). Also called: AMYOTROPHIC LATERAL SCLEROSIS 1, FAMILIAL. Identifiers: Orphanet 803, MedGen C1862939, MONDO:0007103, OMIM 105400.
Neuronopathy, distal hereditary motor, type 7B. Also called: HMN VIIB; LOWER MOTOR NEURON DISEASE, DYNACTIN TYPE; NEURONOPATHY, DISTAL HEREDITARY MOTOR, AUTOSOMAL DOMINANT 14; NEURONOPATHY, DISTAL HEREDITARY MOTOR, HARDING TYPE VIIB; NEUROPATHY, DISTAL HEREDITARY MOTOR, HARDING TYPE VIIB; NEUROPATHY, DISTAL HEREDITARY MOTOR, WITH VOCAL CORD PARALYSIS, HARDING TYPE VIIB. Identifiers: Orphanet 139589, MedGen C1843315, MONDO:0011879, OMIM 607641.
Perry syndrome. Also called: PARKINSONISM WITH ALVEOLAR HYPOVENTILATION AND MENTAL DEPRESSION. Identifiers: Orphanet 178509, MedGen C1868594, MONDO:0008201, OMIM 168605.
Inborn genetic diseases. Identifiers: MedGen C0950123, MeSH D030342.

Submissions (2):

Labcorp Genetics (formerly Invitae), Labcorp
Classification: Uncertain significance for Amyotrophic lateral sclerosis type 1; Neuronopathy, distal hereditary motor, type 7B; Perry syndrome. Last evaluated: 2024-10-28. Review status: criteria provided, single submitter. Criteria: Invitae Variant Classification Sherloc (09022015). Collection method: clinical testing. Allele origin: germline.
Comment: This sequence change replaces arginine, which is basic and polar, with leucine, which is neutral and non-polar, at codon 669 of the DCTN1 protein (p.Arg669Leu). This variant is not present in population databases (gnomAD no frequency). This variant has not been reported in the literature in individuals affected with DCTN1-related conditions. ClinVar contains an entry for this variant (Variation ID: 1784326). Invitae Evidence Modeling of protein sequence and biophysical properties (such as structural, functional, and spatial information, amino acid conservation, physicochemical variation, residue mobility, and thermodynamic stability) indicates that this missense variant is not expected to disrupt DCTN1 protein function with a negative predictive value of 95%. In summary, the available evidence is currently insufficient to determine the role of this variant in disease. Therefore, it has been classified as a Variant of Uncertain Significance.

Ambry Genetics
Classification: Uncertain significance for Inborn genetic diseases. Last evaluated: 2020-12-09. Review status: criteria provided, single submitter. Criteria: Ambry Variant Classification Scheme 2023. Collection method: clinical testing. Allele origin: germline.
Comment: The p.R669L variant (also known as c.2006G>T), located in coding exon 17 of the DCTN1 gene, results from a G to T substitution at nucleotide position 2006. The arginine at codon 669 is replaced by leucine, an amino acid with dissimilar properties. This amino acid position is not well conserved in available vertebrate species. In addition, the in silico prediction for this alteration is inconclusive. Since supporting evidence is limited at this time, the clinical significance of this alteration remains unclear.

NM_004082.5(DCTN1):c.2006G>T (p.Arg669Leu)

Gene: DCTN1 (dynactin subunit 1; minus strand). Cytogenetic location: 2p13.1.
Variant type: single nucleotide variant.
Coding change: c.2006G>T on transcript NM_004082.5 (MANE Select); coding-DNA position 2006, G replaced by T.
Protein change: p.Arg669Leu; replaces arginine 669 with leucine.
Molecular consequence: missense variant. On other transcripts: non-coding transcript variant (1).
Genome position (GRCh38, 1-based): chr2:74,367,980, C>A on the plus strand (G>T on the coding strand, the complement: DCTN1 is on the minus strand). VCF-style: chr2-74367980-C-A. GRCh37 (hg19) VCF-style: chr2-74595107-C-A.
Other names: c.1946G>T, p.Arg649Leu (NM_001135040.3); c.1604G>T, p.Arg535Leu (NM_001135041.3, NM_023019.4); c.1895G>T, p.Arg632Leu (NM_001190836.2); c.1985G>T, p.Arg662Leu (NM_001190837.2); c.1955G>T, p.Arg652Leu (NM_001378991.1); c.1937G>T, p.Arg646Leu (NM_001378992.1); short protein forms R652L, R632L, R535L, R646L, R649L, R662L, R669L.
Identifiers: ClinVar variation 1784326 (VCV001784326.4), dbSNP rs140523637, ClinGen allele CA347351740.